The following is an entry in ClinVar:

ClinVar aggregate classification (germline): Likely benign. Review status: criteria provided, multiple submitters, no conflicts (2 of 4 stars). 2 submissions from 2 submitters: Likely benign (2). Last evaluated 2024-08-08.

Conditions:
Juvenile polyposis syndrome (JPS). Identifiers: Orphanet 2929, MedGen C0345893, MONDO:0017380, OMIM 174900.

Submissions (2):

Myriad Genetics, Inc.
Classification: Likely benign for Juvenile polyposis syndrome. Last evaluated: 2024-08-08. Review status: criteria provided, single submitter. Criteria: Myriad Autosomal Dominant, Autosomal Recessive and X-Linked Classification Criteria (2023). Collection method: clinical testing. Allele origin: unknown.
Comment: This variant is considered likely benign. This variant is intronic and is not expected to impact mRNA splicing.

Labcorp Genetics (formerly Invitae), Labcorp
Classification: Likely benign for Juvenile polyposis syndrome. Last evaluated: 2024-04-30. Review status: criteria provided, single submitter. Criteria: Invitae Variant Classification Sherloc (09022015). Collection method: clinical testing. Allele origin: germline.

NM_004329.3(BMPR1A):c.1474-17A>G

Gene: BMPR1A (bone morphogenetic protein receptor type 1A; plus strand). Cytogenetic location: 10q23.2.
Variant type: single nucleotide variant.
Coding change: c.1474-17A>G on transcript NM_004329.3 (MANE Select); 17 bases into the intron before coding-DNA position 1474, A replaced by G.
Molecular consequence: intron variant.
Genome position (GRCh38, 1-based): chr10:86,923,577, A>G. VCF-style: chr10-86923577-A-G. GRCh37 (hg19) VCF-style: chr10-88683334-A-G.
Other names: c.1474-17A>G (NM_001406562.1, NM_001406568.1, NM_001406567.1 and 19 more transcripts); c.1390-17A>G (NM_001406584.1, NM_001406588.1, NM_001406587.1 and 2 more transcripts); c.1522-17A>G (NM_001406560.1); c.1549-17A>G (NM_001406559.1); c.1468-17A>G (NM_001406583.1); c.1132-17A>G (NM_001406589.1).
Identifiers: ClinVar variation 3378608 (VCV003378608.3).